The following is an entry in ClinVar:

NM_001039469.3(MARK2):c.280C>G (p.Leu94Val)

Gene: MARK2 (microtubule affinity regulating kinase 2; plus strand). Cytogenetic location: 11q13.1.
Variant type: single nucleotide variant.
Coding change: c.280C>G on transcript NM_001039469.3 (MANE Select); coding-DNA position 280, C replaced by G.
Protein change: p.Leu94Val; replaces leucine 94 with valine.
Molecular consequence: missense variant.
Genome position (GRCh38, 1-based): chr11:63,895,625, C>G. VCF-style: chr11-63895625-C-G. GRCh37 (hg19) VCF-style: chr11-63663097-C-G.
Other names: c.280C>G, p.Leu94Val (NM_001163296.2, NM_001163297.2, NM_004954.5); c.181C>G, p.Leu61Val (NM_017490.4); short protein forms L61V, L94V.
Identifiers: ClinVar variation 4536431 (VCV004536431.1).
Genomic context (GRCh38, chr11:63,895,625, plus strand): 5'-TTGTCTCATCCTCAGGTAGCTGTGAAGATCATTGACAAGACTCAACTGAACTCCTCCAGC[C>G]TCCAGAAAGTAAGCACATGGCACCTCCTGTCCCTTTTTTTTTTTTTTTTTTTTTTTTTTT-3'
Protein context (NP_001034558.2, residues 84-104): IDKTQLNSSS[Leu94Val]QKLFREVRIM

ClinVar aggregate classification (germline): Uncertain significance (1 of 4 stars; one submission).

Submission:

GeneDx
Classification: Uncertain significance. Last evaluated: 2025-06-03. Review status: criteria provided, single submitter. Criteria: GeneDx Variant Classification Process June 2021. Collection method: clinical testing. Allele origin: germline. Affected: yes.
Comment: Not observed at significant frequency in large population cohorts (gnomAD); In silico analysis supports that this missense variant has a deleterious effect on protein structure/function; Has not been previously published as pathogenic or benign to our knowledge